The following is an entry in ClinVar:

NM_001145860.2(POP1):c.2163T>C (p.Ala721=)

Gene: POP1 (POP1 ribonuclease P/MRP subunit; plus strand). Cytogenetic location: 8q22.2.
Variant type: single nucleotide variant.
Coding change: c.2163T>C on transcript NM_001145860.2 (MANE Select); coding-DNA position 2163, T replaced by C.
Protein change: p.Ala721=; no amino-acid change (alanine 721 retained).
Molecular consequence: synonymous variant.
Genome position (GRCh38, 1-based): chr8:98,156,155, T>C. VCF-style: chr8-98156155-T-C. GRCh37 (hg19) VCF-style: chr8-99168383-T-C.
Other names: c.2163T>C, p.Ala721= (NM_001145861.2, NM_015029.3).
Identifiers: ClinVar variation 1268027 (VCV001268027.12), dbSNP rs16896695, ClinGen allele CA4820786.
Genomic context (GRCh38, chr8:98,156,155, plus strand): 5'-GGCACCTTTCTGCTGTCCCTGGGAGCAGTTAACTCAAGACTGGGAGTCAAGAGTCCAGGC[T>C]TACGAAGAACCTTCTGTAGCTTCATCTCCAAATGGTAAGGAGAGTGACCTAAGAAGATCT-3'
Protein context (NP_001139332.1, residues 711-731): LTQDWESRVQ[Ala721=]YEEPSVASSP

ClinVar aggregate classification (germline): Benign. Review status: criteria provided, multiple submitters, no conflicts (2 of 4 stars). 4 submissions from 4 submitters: Benign (3). 1 of the submissions does not count toward it. Last evaluated 2026-02-04.

Conditions:
POP1-related disorder. Also called: POP1-related condition.

Allele frequency attached by ClinVar (database versions not stated): gnomAD 0.06990; 1000 Genomes Project 30x 0.07480; ExAC 0.06135; TOPMed 0.07262; 1000 Genomes Project 0.07368; gnomAD exomes 0.05762; ESP Exome Variant Server 0.07258.
gnomAD v4.1: 78,921 of 1,613,882 alleles (4.9%); highest among the groups gnomAD compares: African/African-American, 14%; 2,823 homozygotes.

Submissions (4):

Labcorp Genetics (formerly Invitae), Labcorp
Classification: Benign. Last evaluated: 2026-02-04. Review status: criteria provided, single submitter. Criteria: Invitae Variant Classification Sherloc (09022015). Collection method: clinical testing. Allele origin: germline.

GeneDx
Classification: Benign. Last evaluated: 2021-06-10. Review status: criteria provided, single submitter. Criteria: GeneDx Variant Classification Process June 2021. Collection method: clinical testing. Allele origin: germline. Affected: yes.

Breakthrough Genomics
Classification: Benign. Review status: criteria provided, single submitter. Criteria: ACMG Guidelines, 2015. Collection method: not provided. Allele origin: germline. Inheritance: Autosomal recessive inheritance. Affected: yes.

PreventionGenetics, part of Exact Sciences
Classification: Benign for POP1-related condition. Last evaluated: 2019-10-28. Review status: no assertion criteria provided. Collection method: clinical testing. Allele origin: germline. Not counted in ClinVar's aggregate classification.
Comment: This variant is classified as benign based on ACMG/AMP sequence variant interpretation guidelines (Richards et al. 2015 PMID: 25741868, with internal and published modifications).